The following is an entry in ClinVar:

NM_015340.4(LARS2):c.620G>A (p.Trp207Ter)

Gene: LARS2 (leucyl-tRNA synthetase 2, mitochondrial; plus strand). Cytogenetic location: 3p21.31.
Variant type: single nucleotide variant.
Coding change: c.620G>A on transcript NM_015340.4 (MANE Select); coding-DNA position 620, G replaced by A.
Protein change: p.Trp207Ter; replaces tryptophan 207 with a stop codon.
Molecular consequence: nonsense.
Genome position (GRCh38, 1-based): chr3:45,458,756, G>A. VCF-style: chr3-45458756-G-A. GRCh37 (hg19) VCF-style: chr3-45500248-G-A.
Other names: c.620G>A, p.Trp207Ter (NM_001368263.1); short protein forms W207*.
Identifiers: ClinVar variation 3382175 (VCV003382175.2).
Genomic context (GRCh38, chr3:45,458,756, plus strand): 5'-AAAGAGTACTCACCAGATTGTGCCATTTTGTTTCATGAATTATACAGGCCCTGGTTAACT[G>A]GGACCCAGTGGATCAAACAGTGCTTGCCAATGAGCAGGTGGATGAACATGGCTGTTCATG-3'

ClinVar aggregate classification (germline): Likely pathogenic (1 of 4 stars; one submission).

Conditions:
Perrault syndrome 4 (PRLTS4). Identifiers: Orphanet 2855, MedGen C3809105, MONDO:0014126, OMIM 615300.
Hydrops-lactic acidosis-sideroblastic anemia-multisystemic failure syndrome. Also called: Hydrops, lactic acidosis, and sideroblastic anemia. Identifiers: Orphanet 528091, MedGen C4310761, MONDO:0014869, OMIM 617021.

gnomAD v4.1: 3 of 1,613,998 alleles (0.00019%); highest among the groups gnomAD compares: East Asian, 0.0067%; no homozygotes.

Submission:

Juno Genomics, Hangzhou Juno Genomics, Inc
Classification: Likely pathogenic for Hydrops-lactic acidosis-sideroblastic anemia-multisystemic failure syndrome; Perrault syndrome 4. Review status: criteria provided, single submitter. Criteria: ACMG Guidelines, 2015. Collection method: clinical testing. Allele origin: germline. Affected: yes.
Comment: Null variant in a gene where loss of function (LOF) is a known mechanism of disease.;Absent from controls (or at extremely low frequency if recessive) in Genome Aggregation Database, Exome Sequencing Project, 1000 Genomes Project, or Exome Aggregation Consortium.